The following is an entry in ClinVar:

NM_001130438.3(SPTAN1):c.2238T>A (p.Asp746Glu)

Gene: SPTAN1 (spectrin alpha, non-erythrocytic 1; plus strand). Cytogenetic location: 9q34.11.
Variant type: single nucleotide variant.
Coding change: c.2238T>A on transcript NM_001130438.3 (MANE Select); coding-DNA position 2238, T replaced by A.
Protein change: p.Asp746Glu; replaces aspartic acid 746 with glutamic acid.
Molecular consequence: missense variant.
Genome position (GRCh38, 1-based): chr9:128,584,326, T>A. VCF-style: chr9-128584326-T-A. GRCh37 (hg19) VCF-style: chr9-131346605-T-A.
Other names: c.2238T>A, p.Asp746Glu (NM_001195532.2, NM_001363759.2, NM_001363765.2 and 5 more transcripts); c.2274T>A, p.Asp758Glu (NM_001375312.2, NM_001375318.1); short protein forms D746E, D758E.
Identifiers: ClinVar variation 2827903 (VCV002827903.2), dbSNP rs367925255, ClinGen allele CA5264602.

ClinVar aggregate classification (germline): Uncertain significance. Review status: criteria provided, multiple submitters, no conflicts (2 of 4 stars). 2 submissions from 2 submitters: Uncertain significance (2). Last evaluated 2026-02-03.

Conditions:
Developmental and epileptic encephalopathy. Identifiers: MedGen C5779964, MONDO:0100620.

Allele frequency attached by ClinVar (database versions not stated): ExAC 0.00001; TOPMed 0.00002; ESP Exome Variant Server 0.00008.

Submissions (2):

Women's Health and Genetics/Laboratory Corporation of America, LabCorp
Classification: Uncertain significance. Last evaluated: 2026-02-03. Review status: criteria provided, single submitter. Criteria: LabCorp Variant Classification Summary - May 2015. Collection method: clinical testing. Allele origin: germline.
Comment: Variant summary: SPTAN1 c.2238T>A (p.Asp746Glu) results in a conservative amino acid change in the encoded protein sequence. Algorithms developed to predict the effect of missense changes on protein structure and function are either unavailable or do not agree on the potential impact of this missense change. The variant allele was found at a frequency of 8e-06 in 251210 control chromosomes. The available data on variant occurrences in the general population are insufficient to allow any conclusion about variant significance. To our knowledge, no occurrence of c.2238T>A in individuals affected with SPTAN1-related conditions and no experimental evidence demonstrating its impact on protein function have been reported. ClinVar contains an entry for this variant (Variation ID: 2827903). Based on the evidence outlined above, the variant was classified as uncertain significance.

Labcorp Genetics (formerly Invitae), Labcorp
Classification: Uncertain significance for Early-infantile DEE. Last evaluated: 2023-01-12. Review status: criteria provided, single submitter. Criteria: Invitae Variant Classification Sherloc (09022015). Collection method: clinical testing. Allele origin: germline.
Comment: In summary, the available evidence is currently insufficient to determine the role of this variant in disease. Therefore, it has been classified as a Variant of Uncertain Significance. Algorithms developed to predict the effect of missense changes on protein structure and function output the following: SIFT: "Tolerated"; PolyPhen-2: "Benign"; Align-GVGD: "Class C0". The glutamic acid amino acid residue is found in multiple mammalian species, which suggests that this missense change does not adversely affect protein function. This variant has not been reported in the literature in individuals affected with SPTAN1-related conditions. This variant is present in population databases (rs367925255, gnomAD 0.01%). This sequence change replaces aspartic acid, which is acidic and polar, with glutamic acid, which is acidic and polar, at codon 746 of the SPTAN1 protein (p.Asp746Glu).